The following is an entry in ClinVar:

ClinVar aggregate classification (germline): Uncertain significance. Review status: criteria provided, multiple submitters, no conflicts (2 of 4 stars). 4 submissions from 4 submitters: Uncertain significance (4). Last evaluated 2024-12-23.

Conditions:
Meckel-Gruber syndrome. Also called: Dysencephalia splachnocystica; DYSENCEPHALIA SPLANCHNOCYSTICA; GRUBER SYNDROME. Identifiers: Orphanet 564, MedGen C0265215, MONDO:0018921.
Joubert syndrome. Also called: JOUBERT-BOLTSHAUSER SYNDROME; Familial aplasia of the vermis. Identifiers: Orphanet 475, MedGen C5979921, MONDO:0018772.
CC2D2A-related disorder. Also called: CC2D2A-related condition; CC2D2A-related disorders. Identifiers: MedGen CN239313.

Allele frequency attached by ClinVar (database versions not stated): gnomAD 0.00002; gnomAD exomes 0.00004; ExAC 0.00005; TOPMed 0.00005; ESP Exome Variant Server 0.00008.
gnomAD v4.1: 44 of 1,610,072 alleles (0.0027%); highest among the groups gnomAD compares: Middle Eastern, 0.016%; no homozygotes.

Submissions (4):

PreventionGenetics, part of Exact Sciences
Classification: Uncertain significance for CC2D2A-related condition. Last evaluated: 2024-12-23. Review status: criteria provided, single submitter. Criteria: ACMG Guidelines, 2015. Collection method: clinical testing. Allele origin: germline.
Comment: The CC2D2A c.1829C>T variant is predicted to result in the amino acid substitution p.Pro610Leu. To our knowledge, this variant has not been reported in the literature. This variant is reported in 0.0059% of alleles in individuals of Latino descent in gnomAD. At this time, the clinical significance of this variant is uncertain due to the absence of conclusive functional and genetic evidence.

Labcorp Genetics (formerly Invitae), Labcorp
Classification: Uncertain significance for Joubert syndrome; Meckel-Gruber syndrome. Last evaluated: 2022-09-08. Review status: criteria provided, single submitter. Criteria: Invitae Variant Classification Sherloc (09022015). Collection method: clinical testing. Allele origin: germline.
Comment: This sequence change replaces proline, which is neutral and non-polar, with leucine, which is neutral and non-polar, at codon 610 of the CC2D2A protein (p.Pro610Leu). This variant is present in population databases (rs376457814, gnomAD 0.006%). This variant has not been reported in the literature in individuals affected with CC2D2A-related conditions. ClinVar contains an entry for this variant (Variation ID: 497409). Advanced modeling of protein sequence and biophysical properties (such as structural, functional, and spatial information, amino acid conservation, physicochemical variation, residue mobility, and thermodynamic stability) performed at Invitae indicates that this missense variant is not expected to disrupt CC2D2A protein function. In summary, the available evidence is currently insufficient to determine the role of this variant in disease. Therefore, it has been classified as a Variant of Uncertain Significance.

Blueprint Genetics
Classification: Uncertain significance. Last evaluated: 2021-10-18. Review status: criteria provided, single submitter. Criteria: ACMG Guidelines, 2015. Collection method: clinical testing. Allele origin: germline.

Eurofins Ntd Llc (ga)
Classification: Uncertain significance. Last evaluated: 2016-10-04. Review status: criteria provided, single submitter. Criteria: EGL Classification Definitions 2015. Collection method: clinical testing. Allele origin: germline. Observed: 1 variant allele, 1 heterozygote.

NM_001378615.1(CC2D2A):c.1829C>T (p.Pro610Leu)

Genes: CC2D2A (coiled-coil and C2 domain containing 2A; plus strand), FBXL5 (F-box and leucine rich repeat protein 5; minus strand). Cytogenetic location: 4p15.32.
Variant type: single nucleotide variant.
Coding change: c.1829C>T on transcript NM_001378615.1 (MANE Select); coding-DNA position 1829, C replaced by T.
Protein change: p.Pro610Leu; replaces proline 610 with leucine.
Molecular consequence: missense variant.
Genome position (GRCh38, 1-based): chr4:15,537,963, C>T. VCF-style: chr4-15537963-C-T. GRCh37 (hg19) VCF-style: chr4-15539586-C-T.
Other names: c.1829C>T, p.Pro610Leu (NM_001080522.2); c.1682C>T, p.Pro561Leu (NM_001378617.1); short protein forms P610L, P561L.
Identifiers: ClinVar variation 497409 (VCV000497409.12), dbSNP rs376457814, ClinGen allele CA2863780.